The following is an entry in ClinVar:

NM_207037.2(TCF12):c.1986C>A (p.Asn662Lys)

Gene: TCF12 (transcription factor 12; plus strand). Cytogenetic location: 15q21.3.
Variant type: single nucleotide variant.
Coding change: c.1986C>A on transcript NM_207037.2 (MANE Select); coding-DNA position 1986, C replaced by A.
Protein change: p.Asn662Lys; replaces asparagine 662 with lysine.
Molecular consequence: missense variant.
Genome position (GRCh38, 1-based): chr15:57,282,452, C>A. VCF-style: chr15-57282452-C-A. GRCh37 (hg19) VCF-style: chr15-57574650-C-A.
Other names: c.1476C>A, p.Asn492Lys (NM_001306219.3); c.1206C>A, p.Asn402Lys (NM_001306220.3); c.1986C>A, p.Asn662Lys (NM_001322151.2, NM_001322159.3, NM_001322162.2 and 1 more transcripts); c.1983C>A, p.Asn661Lys (NM_001322152.2, NM_001322161.2); c.1329C>A, p.Asn443Lys (NM_001322154.2); c.1812C>A, p.Asn604Lys (NM_001322156.2); c.1914C>A, p.Asn638Lys (NM_001322157.3, NM_001322165.2, NM_003205.4 and 1 more transcripts); c.1740C>A, p.Asn580Lys (NM_001322158.2); and 2 more; short protein forms N402K, N443K, N468K, N492K, N580K, N604K, N638K, N650K.
Identifiers: ClinVar variation 3903097 (VCV003903097.2).
Genomic context (GRCh38, chr15:57,282,452, plus strand): 5'-CCTAATTCATAACTTAAAACCATAGTGATAAAAATTCTTTCCCCCTGTTTTAGAGAGGAA[C>A]CTTAACCCCAAAGCAGCCTGCCTTAAGAGAAGGGAAGAAGAAAAAGTTTCTGCCGTATCG-3'
Protein context (NP_996920.1, residues 652-672): LSLEQQVRER[Asn662Lys]LNPKAACLKR

ClinVar aggregate classification (germline): Uncertain significance (1 of 4 stars; one submission).

gnomAD v4.1: 1 of 1,614,150 alleles (0.000062%); highest among the groups gnomAD compares: Admixed American, 0.0017%; no homozygotes.

Submission:

GeneDx
Classification: Uncertain significance. Last evaluated: 2026-07-23. Review status: criteria provided, single submitter. Criteria: GeneDx Variant Classification Process June 2021. Collection method: clinical testing. Allele origin: germline.
Comment: Not observed at significant frequency in large population cohorts (gnomAD); In silico analysis supports that this missense variant has a deleterious effect on protein structure/function; Has not been previously published as pathogenic or benign to our knowledge